The following is an entry in ClinVar:

ClinVar aggregate classification (germline): Uncertain significance. Review status: criteria provided, multiple submitters, no conflicts (2 of 4 stars). 2 submissions from 2 submitters: Uncertain significance (2). Last evaluated 2022-01-13.

Conditions:
Inborn genetic diseases. Identifiers: MedGen C0950123, MeSH D030342.

Submissions (2):

Labcorp Genetics (formerly Invitae), Labcorp
Classification: Uncertain significance. Last evaluated: 2022-01-13. Review status: criteria provided, single submitter. Criteria: Invitae Variant Classification Sherloc (09022015). Collection method: clinical testing. Allele origin: germline.
Comment: In summary, the available evidence is currently insufficient to determine the role of this variant in disease. Therefore, it has been classified as a Variant of Uncertain Significance. Algorithms developed to predict the effect of missense changes on protein structure and function (SIFT, PolyPhen-2, Align-GVGD) all suggest that this variant is likely to be tolerated. ClinVar contains an entry for this variant (Variation ID: 841414). This variant has not been reported in the literature in individuals affected with P3H2-related conditions. This variant is not present in population databases (gnomAD no frequency). This sequence change replaces glutamine, which is neutral and polar, with lysine, which is basic and polar, at codon 458 of the P3H2 protein (p.Gln458Lys).

Ambry Genetics
Classification: Uncertain significance for Inborn genetic diseases. Last evaluated: 2021-10-12. Review status: criteria provided, single submitter. Criteria: Ambry Variant Classification Scheme 2023. Collection method: clinical testing. Allele origin: germline.

NM_018192.4(P3H2):c.1372C>A (p.Gln458Lys)

Gene: P3H2 (prolyl 3-hydroxylase 2; minus strand). Cytogenetic location: 3q28.
Variant type: single nucleotide variant.
Coding change: c.1372C>A on transcript NM_018192.4 (MANE Select); coding-DNA position 1372, C replaced by A.
Protein change: p.Gln458Lys; replaces glutamine 458 with lysine.
Molecular consequence: missense variant.
Genome position (GRCh38, 1-based): chr3:189,974,638, G>T on the plus strand (C>A on the coding strand, the complement: P3H2 is on the minus strand). VCF-style: chr3-189974638-G-T. GRCh37 (hg19) VCF-style: chr3-189692427-G-T.
Other names: c.829C>A, p.Gln277Lys (NM_001134418.2); short protein forms Q277K, Q458K.
Identifiers: ClinVar variation 841414 (VCV000841414.7), dbSNP rs895635914, ClinGen allele CA355754143.